The following is an entry in ClinVar:

ClinVar aggregate classification (germline): Likely pathogenic. Review status: criteria provided, multiple submitters, no conflicts (2 of 4 stars). 3 submissions from 3 submitters: Likely pathogenic (3). Last evaluated 2025-04-22.

Conditions:
Idiopathic Pulmonary Fibrosis. Also called: Idiopathic fibrosing alveolitis, chronic form; idiopathic fibrosing alveolitis. Identifiers: Orphanet 2032, MedGen C1800706, MeSH D054990, MONDO:0800504.
Dyskeratosis congenita, autosomal dominant 2. Identifiers: MedGen C3151443, MONDO:0013521, OMIM 613989.
Dyskeratosis congenita. Identifiers: Orphanet 1775, MedGen C0265965, MONDO:0015780.

Allele frequency attached by ClinVar (database versions not stated): gnomAD exomes below 0.00001.
gnomAD v4.1: 2 of 1,614,132 alleles (0.00012%); highest among the groups gnomAD compares: Non-Finnish European, 0.00017%; no homozygotes.

Submissions (3):

Ambry Genetics
Classification: Likely pathogenic for Dyskeratosis congenita. Last evaluated: 2025-04-22. Review status: criteria provided, single submitter. Criteria: Ambry Variant Classification Scheme 2023. Collection method: clinical testing. Allele origin: germline.
Comment: The c.2286+1G>A intronic variant results from a G to A substitution one nucleotide after coding exon 6 of the TERT gene. This variant was reported in individual(s) with features consistent with TERT-related disorder (Arias-Salgado EG et al. Orphanet J Rare Dis, 2019 Apr;14:82). This nucleotide position is highly conserved in available vertebrate species. In silico splice site analysis predicts that this alteration will weaken the native splice donor site. This variant is considered to be rare based on population cohorts in the Genome Aggregation Database (gnomAD). Alterations that disrupt the canonical splice site are expected to cause aberrant splicing, resulting in an abnormal protein or a transcript that is subject to nonsense-mediated mRNA decay. As such, this alteration is classified as likely pathogenic.

GeneDx
Classification: Likely pathogenic. Last evaluated: 2024-12-16. Review status: criteria provided, single submitter. Criteria: GeneDx Variant Classification Process June 2021. Collection method: clinical testing. Allele origin: germline. Affected: yes.
Comment: Canonical splice site variant predicted to result in an in-frame loss of the adjacent exon in a gene for which loss of function is a known mechanism of disease; Not observed at significant frequency in large population cohorts (gnomAD); This variant is associated with the following publications: (PMID: 30995915)

Labcorp Genetics (formerly Invitae), Labcorp
Classification: Likely pathogenic for Dyskeratosis congenita, autosomal dominant 2; Idiopathic Pulmonary Fibrosis. Last evaluated: 2024-01-11. Review status: criteria provided, single submitter. Criteria: Invitae Variant Classification Sherloc (09022015). Collection method: clinical testing. Allele origin: germline.
Comment: This sequence change affects a donor splice site in intron 6 of the TERT gene. It is expected to disrupt RNA splicing. Variants that disrupt the donor or acceptor splice site typically lead to a loss of protein function (PMID: 16199547), and loss-of-function variants in TERT are known to be pathogenic (PMID: 16247010, 17460043). This variant is not present in population databases (gnomAD no frequency). Disruption of this splice site has been observed in individual(s) with clinical features of familial pulmonary fibrosis (PMID: 30995915). ClinVar contains an entry for this variant (Variation ID: 1502782). Algorithms developed to predict the effect of sequence changes on RNA splicing suggest that this variant may disrupt the consensus splice site. In summary, the currently available evidence indicates that the variant is pathogenic, but additional data are needed to prove that conclusively. Therefore, this variant has been classified as Likely Pathogenic.

Literature cited by the submitters: PubMed 30995915 (cited by Ambry Genetics and Labcorp Genetics (formerly Invitae), Labcorp); PubMed 16199547 (cited by Labcorp Genetics (formerly Invitae), Labcorp); PubMed 16247010 (cited by Labcorp Genetics (formerly Invitae), Labcorp); PubMed 17460043 (cited by Labcorp Genetics (formerly Invitae), Labcorp).

NM_198253.3(TERT):c.2286+1G>A

Gene: TERT (telomerase reverse transcriptase; minus strand). Cytogenetic location: 5p15.33.
Variant type: single nucleotide variant.
Coding change: c.2286+1G>A on transcript NM_198253.3 (MANE Select); the canonical splice donor site of the intron after coding-DNA position 2286, G replaced by A.
Molecular consequence: splice donor variant.
Genome position (GRCh38, 1-based): chr5:1,278,640, C>T on the plus strand (G>A on the coding strand, the complement: TERT is on the minus strand). VCF-style: chr5-1278640-C-T. GRCh37 (hg19) VCF-style: chr5-1278755-C-T.
Other names: c.2286+1G>A (NM_001193376.3).
Identifiers: ClinVar variation 1502782 (VCV001502782.12), dbSNP rs1749780301, ClinGen allele CA359078622.